The following is an entry in ClinVar:

NM_020921.4(NIN):c.2909A>G (p.Glu970Gly)

Gene: NIN (ninein; minus strand). Cytogenetic location: 14q22.1.
Variant type: single nucleotide variant.
Coding change: c.2909A>G on transcript NM_020921.4 (MANE Select); coding-DNA position 2909, A replaced by G.
Protein change: p.Glu970Gly; replaces glutamic acid 970 with glycine.
Molecular consequence: missense variant. On other transcripts: intron variant (1).
Genome position (GRCh38, 1-based): chr14:50,758,121, T>C on the plus strand (A>G on the coding strand, the complement: NIN is on the minus strand). VCF-style: chr14-50758121-T-C. GRCh37 (hg19) VCF-style: chr14-51224839-T-C.
Other names: c.2909A>G (NM_020921.3); c.2909A>G, p.Glu970Gly (NM_182944.3, NM_182946.2); c.2399+1736A>G (NM_016350.5); short protein forms E970G.
Identifiers: ClinVar variation 3607764 (VCV003607764.3).

ClinVar aggregate classification (germline): Uncertain significance. Review status: criteria provided, multiple submitters, no conflicts (2 of 4 stars). 2 submissions from 2 submitters: Uncertain significance (2). Last evaluated 2025-12-08.

Submissions (2):

Labcorp Genetics (formerly Invitae), Labcorp
Classification: Uncertain significance. Last evaluated: 2025-12-08. Review status: criteria provided, single submitter. Criteria: Invitae Variant Classification Sherloc (09022015). Collection method: clinical testing. Allele origin: germline.
Comment: This sequence change replaces glutamic acid, which is acidic and polar, with glycine, which is neutral and non-polar, at codon 970 of the NIN protein (p.Glu970Gly). The frequency data for this variant in the population databases is considered unreliable, as metrics indicate poor data quality at this position in the gnomAD database. This variant has not been reported in the literature in individuals affected with NIN-related conditions. ClinVar contains an entry for this variant (Variation ID: 3607764). An algorithm developed to predict the effect of missense changes on protein structure and function (PolyPhen-2) suggests that this variant is likely to be tolerated. In summary, the available evidence is currently insufficient to determine the role of this variant in disease. Therefore, it has been classified as a Variant of Uncertain Significance.

Ambry Genetics
Classification: Uncertain significance. Last evaluated: 2025-02-04. Review status: criteria provided, single submitter. Criteria: Ambry Variant Classification Scheme 2023. Collection method: clinical testing. Allele origin: germline.